The following is an entry in ClinVar:

NM_000246.4(CIITA):c.1367T>G (p.Leu456Trp)

Gene: CIITA (class II major histocompatibility complex transactivator; plus strand). Cytogenetic location: 16p13.13.
Variant type: single nucleotide variant.
Coding change: c.1367T>G on transcript NM_000246.4 (MANE Select); coding-DNA position 1367, T replaced by G.
Protein change: p.Leu456Trp; replaces leucine 456 with tryptophan.
Molecular consequence: missense variant. On other transcripts: intron variant (1).
Genome position (GRCh38, 1-based): chr16:10,906,859, T>G. VCF-style: chr16-10906859-T-G. GRCh37 (hg19) VCF-style: chr16-11000716-T-G.
Other names: c.1370T>G, p.Leu457Trp (NM_001286402.1, NM_001379332.1); c.1223T>G, p.Leu408Trp (NM_001379330.1); c.1220T>G, p.Leu407Trp (NM_001379331.1); c.1367T>G, p.Leu456Trp (NM_001379333.1); c.1298T>G, p.Leu433Trp (NM_001379334.1); c.859+2047T>G (NM_001286403.2); short protein forms L408W, L457W, L407W, L456W, L433W.
Identifiers: ClinVar variation 3705916 (VCV003705916.2).

ClinVar aggregate classification (germline): Uncertain significance (1 of 4 stars; one submission).

Conditions:
MHC class II deficiency. Also called: Bare lymphocyte syndrome 2; BLS, TYPE II. Identifiers: Orphanet 572, MedGen C5447452, MONDO:0008855.

Submission:

Labcorp Genetics (formerly Invitae), Labcorp
Classification: Uncertain significance for MHC class II deficiency. Last evaluated: 2024-06-29. Review status: criteria provided, single submitter. Criteria: Invitae Variant Classification Sherloc (09022015). Collection method: clinical testing. Allele origin: germline.
Comment: This sequence change replaces leucine, which is neutral and non-polar, with tryptophan, which is neutral and slightly polar, at codon 456 of the CIITA protein (p.Leu456Trp). This variant is present in population databases (rs764714532, gnomAD 0.002%). This variant has not been reported in the literature in individuals affected with CIITA-related conditions. An algorithm developed to predict the effect of missense changes on protein structure and function (PolyPhen-2) suggests that this variant is likely to be disruptive. In summary, the available evidence is currently insufficient to determine the role of this variant in disease. Therefore, it has been classified as a Variant of Uncertain Significance.